The following is an entry in ClinVar:

NM_001098.3(ACO2):c.2023_2084del (p.Ala675fs)

Genes: POLR3H (RNA polymerase III subunit H; minus strand), ACO2 (aconitase 2; plus strand). Cytogenetic location: 22q13.2.
Variant type: Deletion.
Coding change: c.2023_2084del on transcript NM_001098.3 (MANE Select); coding-DNA positions 2023 to 2084, 62 bases deleted.
Protein change: p.Ala675fs; shifts the reading frame from alanine 675.
Molecular consequence: frameshift variant. On other transcripts: 3 prime UTR variant (5).
Genome position (GRCh38, 1-based): chr22:41,527,357-41,527,418, 62 bases deleted. GRCh37 (hg19): chr22:41,923,361-41,923,422.
Other names: c.*1867_*1928del (NM_001018050.4, NM_001018052.4, NM_001282884.2 and 2 more transcripts); c.2023_2084del62 (NM_001098.2); short protein forms A675fs.
Identifiers: ClinVar variation 2027480 (VCV002027480.5), dbSNP rs2518240864, ClinGen allele CA2580099873.

ClinVar aggregate classification (germline): Pathogenic/Likely pathogenic. Review status: criteria provided, multiple submitters, no conflicts (2 of 4 stars). 2 submissions from 2 submitters: Pathogenic (1); Likely pathogenic (1). Last evaluated 2025-01-06.

Conditions:
ACO2-related disorder. Also called: ACO2-Related Disorders.

Submissions (2):

PreventionGenetics, part of Exact Sciences
Classification: Likely pathogenic for ACO2-related condition. Last evaluated: 2025-01-06. Review status: criteria provided, single submitter. Criteria: ACMG Guidelines, 2015. Collection method: clinical testing. Allele origin: germline.
Comment: The ACO2 c.2023_2084del62 variant is predicted to result in a frameshift and premature protein termination (p.Ala675Argfs*16). To our knowledge, this variant has not been reported in a large population database (gnomAD), indicating this variant is rare. Frameshift variants in ACO2 are expected to be pathogenic. This variant is interpreted as likely pathogenic.

Labcorp Genetics (formerly Invitae), Labcorp
Classification: Pathogenic. Last evaluated: 2022-08-27. Review status: criteria provided, single submitter. Criteria: Invitae Variant Classification Sherloc (09022015). Collection method: clinical testing. Allele origin: germline.
Comment: For these reasons, this variant has been classified as Pathogenic. This variant has not been reported in the literature in individuals affected with ACO2-related conditions. This variant is not present in population databases (gnomAD no frequency). This sequence change creates a premature translational stop signal (p.Ala675Argfs*16) in the ACO2 gene. It is expected to result in an absent or disrupted protein product. Loss-of-function variants in ACO2 are known to be pathogenic (PMID: 30689204, 32519519).

Literature cited by the submitters: PubMed 30689204 (cited by Labcorp Genetics (formerly Invitae), Labcorp); PubMed 32519519 (cited by Labcorp Genetics (formerly Invitae), Labcorp).